The following is an entry in ClinVar:

NM_003289.4(TPM2):c.773A>T (p.Asp258Val)

Gene: TPM2 (tropomyosin 2; minus strand). Cytogenetic location: 9p13.3.
Variant type: single nucleotide variant.
Coding change: c.773A>T on transcript NM_003289.4 (MANE Select); coding-DNA position 773, A replaced by T.
Protein change: p.Asp258Val; replaces aspartic acid 258 with valine.
Molecular consequence: missense variant. On other transcripts: intron variant (2).
Genome position (GRCh38, 1-based): chr9:35,683,241, T>A on the plus strand (A>T on the coding strand, the complement: TPM2 is on the minus strand). VCF-style: chr9-35683241-T-A. GRCh37 (hg19) VCF-style: chr9-35683238-T-A.
Other names: c.773A>T, p.Asp258Val (NM_001301227.2); c.772+1005A>T (NM_213674.1, NM_001301226.2); short protein forms D258V.
Identifiers: ClinVar variation 452088 (VCV000452088.3), dbSNP rs1554658492, ClinGen allele CA373363280.

ClinVar aggregate classification (germline): Likely pathogenic (1 of 4 stars; one submission).

Submission:

GeneDx
Classification: Likely pathogenic. Last evaluated: 2020-03-10. Review status: criteria provided, single submitter. Criteria: GeneDx Variant Classification Process June 2021. Collection method: clinical testing. Allele origin: germline. Affected: yes.
Comment: Has not been previously published as pathogenic or benign to our knowledge; In silico analysis supports that this missense variant has a deleterious effect on protein structure/function; Missense variants in this gene are often considered pathogenic (Stenson et al., 2014); Not observed in large population cohorts (Lek et al., 2016)